The following is an entry in ClinVar:

NM_002292.4(LAMB2):c.3838G>A (p.Glu1280Lys)

Gene: LAMB2 (laminin subunit beta 2; minus strand). Cytogenetic location: 3p21.31.
Variant type: single nucleotide variant.
Coding change: c.3838G>A on transcript NM_002292.4 (MANE Select); coding-DNA position 3838, G replaced by A.
Protein change: p.Glu1280Lys; replaces glutamic acid 1280 with lysine.
Molecular consequence: missense variant.
Genome position (GRCh38, 1-based): chr3:49,123,591, C>T on the plus strand (G>A on the coding strand, the complement: LAMB2 is on the minus strand). VCF-style: chr3-49123591-C-T. GRCh37 (hg19) VCF-style: chr3-49161024-C-T.
Other names: p.Glu1280Lys; short protein forms E1280K.
Identifiers: ClinVar variation 1001019 (VCV001001019.4), dbSNP rs532092193, ClinGen allele CA2393929.

ClinVar aggregate classification (germline): Uncertain significance. Review status: criteria provided, multiple submitters, no conflicts (2 of 4 stars). 3 submissions from 3 submitters: Uncertain significance (3). Last evaluated 2024-03-01.

Conditions:
LAMB2-related infantile-onset nephrotic syndrome. Also called: NEPHROTIC SYNDROME, TYPE 5, WITHOUT OCULAR ABNORMALITIES; NEPHROTIC SYNDROME, TYPE 5, WITH OCULAR ABNORMALITIES; Nephrotic Syndrome, type 5. Identifiers: Orphanet 306507, MedGen C3280113, MONDO:0013621, OMIM 614199.
Pierson syndrome. Also called: MICROCORIA-CONGENITAL NEPHROTIC SYNDROME. Identifiers: Orphanet 2670, MedGen C1836876, MONDO:0012184, OMIM 609049.

Allele frequency attached by ClinVar (database versions not stated): gnomAD 0.00001 and 0.00005; TOPMed 0.00002; gnomAD exomes 0.00008; ExAC 0.00012; 1000 Genomes Project 30x 0.00031; 1000 Genomes Project 0.00040.
gnomAD v4.1: 72 of 1,614,190 alleles (0.0045%); highest among the groups gnomAD compares: South Asian, 0.054%; no homozygotes.

Submissions (3):

Mayo Clinic Laboratories, Mayo Clinic
Classification: Uncertain significance. Last evaluated: 2024-03-01. Review status: criteria provided, single submitter. Criteria: ACMG Guidelines, 2015. Collection method: clinical testing. Allele origin: germline. Observed: 1 variant allele.
Comment: PM2_moderate

Labcorp Genetics (formerly Invitae), Labcorp
Classification: Uncertain significance for LAMB2-related infantile-onset nephrotic syndrome; Pierson syndrome. Last evaluated: 2022-08-16. Review status: criteria provided, single submitter. Criteria: Invitae Variant Classification Sherloc (09022015). Collection method: clinical testing. Allele origin: germline.
Comment: This sequence change replaces glutamic acid, which is acidic and polar, with lysine, which is basic and polar, at codon 1280 of the LAMB2 protein (p.Glu1280Lys). This variant is present in population databases (rs532092193, gnomAD 0.04%). This missense change has been observed in individual(s) with chronic kidney disease (PMID: 26108971). ClinVar contains an entry for this variant (Variation ID: 1001019). Algorithms developed to predict the effect of missense changes on protein structure and function (SIFT, PolyPhen-2, Align-GVGD) all suggest that this variant is likely to be disruptive. In summary, the available evidence is currently insufficient to determine the role of this variant in disease. Therefore, it has been classified as a Variant of Uncertain Significance.

Blueprint Genetics
Classification: Uncertain significance. Last evaluated: 2021-11-09. Review status: criteria provided, single submitter. Criteria: ACMG Guidelines, 2015. Collection method: clinical testing. Allele origin: germline.

Literature cited by the submitters: PubMed 26108971 (cited by Mayo Clinic Laboratories, Mayo Clinic and Labcorp Genetics (formerly Invitae), Labcorp).